The following is an entry in ClinVar:

NM_015311.3(OBSL1):c.3962G>C (p.Gly1321Ala)

Gene: OBSL1 (obscurin like cytoskeletal adaptor 1; minus strand). Cytogenetic location: 2q35.
Variant type: single nucleotide variant.
Coding change: c.3962G>C on transcript NM_015311.3 (MANE Select); coding-DNA position 3962, G replaced by C.
Protein change: p.Gly1321Ala; replaces glycine 1321 with alanine.
Molecular consequence: missense variant.
Genome position (GRCh38, 1-based): chr2:219,557,447, C>G on the plus strand (G>C on the coding strand, the complement: OBSL1 is on the minus strand). VCF-style: chr2-219557447-C-G. GRCh37 (hg19) VCF-style: chr2-220422169-C-G.
Other names: c.3962G>C, p.Gly1321Ala (NM_001173431.2); short protein forms G1321A.
Identifiers: ClinVar variation 1955808 (VCV001955808.5), dbSNP rs886044557, ClinGen allele CA350732931.

ClinVar aggregate classification (germline): Uncertain significance (1 of 4 stars; one submission).

Submission:

Labcorp Genetics (formerly Invitae), Labcorp
Classification: Uncertain significance. Last evaluated: 2022-11-15. Review status: criteria provided, single submitter. Criteria: Invitae Variant Classification Sherloc (09022015). Collection method: clinical testing. Allele origin: germline.
Comment: This sequence change replaces glycine, which is neutral and non-polar, with alanine, which is neutral and non-polar, at codon 1321 of the OBSL1 protein (p.Gly1321Ala). In summary, the available evidence is currently insufficient to determine the role of this variant in disease. Therefore, it has been classified as a Variant of Uncertain Significance. Algorithms developed to predict the effect of missense changes on protein structure and function are either unavailable or do not agree on the potential impact of this missense change (SIFT: "Deleterious"; PolyPhen-2: "Benign"; Align-GVGD: "Class C0"). This variant has not been reported in the literature in individuals affected with OBSL1-related conditions. This variant is not present in population databases (gnomAD no frequency).